The following is an entry in ClinVar:

ClinVar aggregate classification (germline): Uncertain significance (1 of 4 stars; one submission).

Conditions:
Hereditary cancer-predisposing syndrome. Also called: Neoplastic Syndromes, Hereditary; Hereditary Cancer Syndrome; Hereditary neoplastic syndrome; Tumor predisposition. Identifiers: Orphanet 140162, MedGen C0027672, MeSH D009386, MONDO:0015356.

Submission:

Ambry Genetics
Classification: Uncertain significance for Hereditary cancer-predisposing syndrome. Last evaluated: 2023-03-18. Review status: criteria provided, single submitter. Criteria: Ambry Variant Classification Scheme 2023. Collection method: clinical testing. Allele origin: germline.
Comment: The p.Q141R variant (also known as c.422A>G), located in coding exon 1 of the CDKN1B gene, results from an A to G substitution at nucleotide position 422. The glutamine at codon 141 is replaced by arginine, an amino acid with highly similar properties. This amino acid position is conserved. In addition, this alteration is predicted to be tolerated by in silico analysis. Since supporting evidence is limited at this time, the clinical significance of this alteration remains unclear.

NM_004064.5(CDKN1B):c.422A>G (p.Gln141Arg)

Gene: CDKN1B (cyclin dependent kinase inhibitor 1B; plus strand). Cytogenetic location: 12p13.1.
Variant type: single nucleotide variant.
Coding change: c.422A>G on transcript NM_004064.5 (MANE Select); coding-DNA position 422, A replaced by G.
Protein change: p.Gln141Arg; replaces glutamine 141 with arginine.
Molecular consequence: missense variant.
Genome position (GRCh38, 1-based): chr12:12,718,261, A>G. VCF-style: chr12-12718261-A-G. GRCh37 (hg19) VCF-style: chr12-12871195-A-G.
Other names: short protein forms Q141R.
Identifiers: ClinVar variation 2565423 (VCV002565423.2), dbSNP rs1160932603, ClinGen allele CA383970712.